The following is an entry in ClinVar:

NM_020810.3(TRMT5):c.1177A>G (p.Ile393Val)

Gene: TRMT5 (tRNA methyltransferase 5; minus strand). Cytogenetic location: 14q23.1.
Variant type: single nucleotide variant.
Coding change: c.1177A>G on transcript NM_020810.3 (MANE Select); coding-DNA position 1177, A replaced by G.
Protein change: p.Ile393Val; replaces isoleucine 393 with valine.
Molecular consequence: missense variant.
Genome position (GRCh38, 1-based): chr14:60,975,742, T>C on the plus strand (A>G on the coding strand, the complement: TRMT5 is on the minus strand). VCF-style: chr14-60975742-T-C. GRCh37 (hg19) VCF-style: chr14-61442460-T-C.
Other names: c.1261A>G, p.Ile421Val (NM_001350253.1); c.1258A>G, p.Ile420Val (NM_001350254.1); short protein forms I420V, I393V, I421V.
Identifiers: ClinVar variation 2189419 (VCV002189419.2), dbSNP rs748199795, ClinGen allele CA7213760.

ClinVar aggregate classification (germline): Uncertain significance (1 of 4 stars; one submission).

Allele frequency attached by ClinVar (database versions not stated): ExAC 0.00001; gnomAD 0.00001; gnomAD exomes 0.00001; TOPMed 0.00002.

Submission:

Labcorp Genetics (formerly Invitae), Labcorp
Classification: Uncertain significance. Last evaluated: 2022-09-30. Review status: criteria provided, single submitter. Criteria: Invitae Variant Classification Sherloc (09022015). Collection method: clinical testing. Allele origin: germline.
Comment: In summary, the available evidence is currently insufficient to determine the role of this variant in disease. Therefore, it has been classified as a Variant of Uncertain Significance. Advanced modeling of protein sequence and biophysical properties (such as structural, functional, and spatial information, amino acid conservation, physicochemical variation, residue mobility, and thermodynamic stability) performed at Invitae indicates that this missense variant is not expected to disrupt TRMT5 protein function. This variant has not been reported in the literature in individuals affected with TRMT5-related conditions. This variant is present in population databases (rs748199795, gnomAD 0.002%). This sequence change replaces isoleucine, which is neutral and non-polar, with valine, which is neutral and non-polar, at codon 393 of the TRMT5 protein (p.Ile393Val).